The following is an entry in ClinVar:

NM_000255.4(MMUT):c.1068G>A (p.Trp356Ter)

Gene: MMUT (methylmalonyl-CoA mutase; minus strand). Cytogenetic location: 6p12.3.
Variant type: single nucleotide variant.
Coding change: c.1068G>A on transcript NM_000255.4 (MANE Select); coding-DNA position 1068, G replaced by A.
Protein change: p.Trp356Ter; replaces tryptophan 356 with a stop codon.
Molecular consequence: nonsense.
Genome position (GRCh38, 1-based): chr6:49,453,600, C>T on the plus strand (G>A on the coding strand, the complement: MMUT is on the minus strand). VCF-style: chr6-49453600-C-T. GRCh37 (hg19) VCF-style: chr6-49421313-C-T.
Other names: short protein forms W356*.
Identifiers: ClinVar variation 4291836 (VCV004291836.2).

ClinVar aggregate classification (germline): Pathogenic. Review status: criteria provided, multiple submitters, no conflicts (2 of 4 stars). 2 submissions from 2 submitters: Pathogenic (2). Last evaluated 2026-10-01.

Conditions:
Methylmalonic aciduria due to methylmalonyl-CoA mutase deficiency (MAMM). Also called: Methylmalonic aciduria, mut type. Identifiers: Orphanet 27, MedGen C1855114, MONDO:0009612, OMIM 251000.

gnomAD v4.1: 1 of 1,608,930 alleles (0.000062%); highest among the groups gnomAD compares: Admixed American, 0.0017%; no homozygotes.

Submissions (2):

Laboratorio de Biologia Molecular - Genetica, Hospital de Pediatria Garrahan
Classification: Pathogenic for Methylmalonic aciduria due to methylmalonyl-CoA mutase deficiency. Last evaluated: 2026-10-01. Review status: criteria provided, single submitter. Criteria: ACMG Guidelines, 2015. Collection method: clinical testing. Allele origin: germline. Affected: yes. Observed: 2 variant alleles.
Comment: This sequence change creates a premature translational stop signal (p.Trp356Ter *) in the MMUT gene. It is expected to result in an absent or disrupted protein product (PVS1). ClinVar contains an entry for this variant (VCV004291836.1) This variant is present in population databases with at an extremely low frequency (gnomAD <0.001%) (PM2_supporting). For these reasons, this variant has been classified as Pathogenic.

3billion
Classification: Pathogenic for Methylmalonic aciduria due to methylmalonyl-CoA mutase deficiency. Last evaluated: 2025-01-08. Review status: criteria provided, single submitter. Criteria: ACMG Guidelines, 2015. Collection method: clinical testing. Allele origin: germline. Affected: yes.
Comment: The variant is observed at an extremely low frequency in the gnomAD v4.1.0 dataset (total allele frequency: <0.001%). Predicted Consequence/Location: Stop-gained (nonsense): predicted to result in a loss or disruption of normal protein function through nonsense-mediated decay (NMD) or protein truncation. Multiple pathogenic variants are reported downstream of the variant. The variant has been reported to be associated with MMUT-related disorder (PMID: 20549364). Therefore, this variant is classified as Pathogenic according to the recommendation of ACMG/AMP guideline.

Literature cited by the submitters: PubMed 20549364 (cited by 3billion).